The following is an entry in ClinVar:

ClinVar aggregate classification (germline): Uncertain significance (1 of 4 stars; one submission).

Conditions:
Familial melanoma. Also called: Hereditary melanoma; Hereditary cutaneous melanoma. Identifiers: Orphanet 618, MedGen C1512419, MONDO:0018961.

Submission:

Labcorp Genetics (formerly Invitae), Labcorp
Classification: Uncertain significance for Familial melanoma. Last evaluated: 2022-10-05. Review status: criteria provided, single submitter. Criteria: Invitae Variant Classification Sherloc (09022015). Collection method: clinical testing. Allele origin: germline.
Comment: This sequence change replaces leucine, which is neutral and non-polar, with proline, which is neutral and non-polar, at codon 121 of the CDKN2A (p16INK4a) protein (p.Leu121Pro). In summary, the available evidence is currently insufficient to determine the role of this variant in disease. Therefore, it has been classified as a Variant of Uncertain Significance. Algorithms developed to predict the effect of missense changes on protein structure and function (SIFT, PolyPhen-2, Align-GVGD) all suggest that this variant is likely to be tolerated. ClinVar contains an entry for this variant (Variation ID: 566923). This variant has not been reported in the literature in individuals affected with CDKN2A (p16INK4a)-related conditions. This variant is not present in population databases (gnomAD no frequency).

NM_000077.5(CDKN2A):c.362T>C (p.Leu121Pro)

Gene: CDKN2A (cyclin dependent kinase inhibitor 2A; minus strand). Cytogenetic location: 9p21.3.
Variant type: single nucleotide variant.
Coding change: c.362T>C on transcript NM_000077.5; coding-DNA position 362, T replaced by C.
Protein change: p.Leu121Pro; replaces leucine 121 with proline.
Molecular consequence: missense variant (on NM_000077.6). On other transcripts: 3 prime UTR variant (2).
Genome position (GRCh38, 1-based): chr9:21,970,997, A>G on the plus strand (T>C on the coding strand, the complement: CDKN2A is on the minus strand). VCF-style: chr9-21970997-A-G. GRCh37 (hg19) VCF-style: chr9-21970996-A-G.
Other names: c.362T>C, p.Leu121Pro (NM_000077.6, NM_001195132.2); c.209T>C, p.Leu70Pro (NM_001363763.2); c.*6T>C (NM_058195.4); c.*285T>C (NM_058197.5); short protein forms L121P, L70P.
Identifiers: ClinVar variation 566923 (VCV000566923.8), dbSNP rs1162584542, ClinGen allele CA373085976.